The following is an entry in ClinVar:

ClinVar aggregate classification (germline): Pathogenic (1 of 4 stars; one submission).

Conditions:
Ehlers-Danlos syndrome, classic type, 1 (EDSCL1). Also called: EHLERS-DANLOS SYNDROME, GRAVIS TYPE; EHLERS-DANLOS SYNDROME, SEVERE CLASSIC TYPE; Ehlers-Danlos syndrome, type 1; Ehlers-Danlos Syndrome, Classic Type, COL5A1-Related; EDS I. Identifiers: MedGen C0268335, MONDO:0019567, OMIM 130000.

Submission:

Labcorp Genetics (formerly Invitae), Labcorp
Classification: Pathogenic for Ehlers-Danlos syndrome, classic type, 1. Last evaluated: 2025-11-25. Review status: criteria provided, single submitter. Criteria: Invitae Variant Classification Sherloc (09022015). Collection method: clinical testing. Allele origin: germline.
Comment: This sequence change replaces glycine, which is neutral and non-polar, with glutamic acid, which is acidic and polar, at codon 874 of the COL5A1 protein (p.Gly874Glu). This variant is not present in population databases (gnomAD no frequency). This missense change has been observed in individual(s) with clinical features of Ehlers Danlos syndrome (internal data). In at least one individual the variant was observed to be de novo. Invitae Evidence Modeling of protein sequence and biophysical properties (such as structural, functional, and spatial information, amino acid conservation, physicochemical variation, residue mobility, and thermodynamic stability) indicates that this missense variant is expected to disrupt COL5A1 protein function with a positive predictive value of 95%. This variant disrupts the triple helix domain of COL5A1. Glycine residues within the Gly-Xaa-Yaa repeats of the triple helix domain are required for the structure and stability of fibrillar collagens (PMID: 7695699, 8218237, 19344236), and variants at these glycine residues in COL5A1 are more frequently observed in individuals with disease than in the general population (PMID: 22696272, 23587214). However, the clinical significance of this observation remains uncertain since only a limited number of affected individuals have been described to date. For these reasons, this variant has been classified as Pathogenic.

Literature cited by the submitters: PubMed 7695699; PubMed 8218237; PubMed 19344236; PubMed 22696272; PubMed 23587214.

NM_000093.5(COL5A1):c.2621G>A (p.Gly874Glu)

Gene: COL5A1 (collagen type V alpha 1 chain; plus strand). Cytogenetic location: 9q34.3.
Variant type: single nucleotide variant.
Coding change: c.2621G>A on transcript NM_000093.5 (MANE Select); coding-DNA position 2621, G replaced by A.
Protein change: p.Gly874Glu; replaces glycine 874 with glutamic acid.
Molecular consequence: missense variant.
Genome position (GRCh38, 1-based): chr9:134,786,023, G>A. VCF-style: chr9-134786023-G-A. GRCh37 (hg19) VCF-style: chr9-137677869-G-A.
Other names: c.2621G>A, p.Gly874Glu (NM_001278074.1); short protein forms G874E.
Identifiers: ClinVar variation 4746101 (VCV004746101.1).